The following is an entry in ClinVar:

NM_001354604.2(MITF):c.1552A>G (p.Ser518Gly)

Gene: MITF (melanocyte inducing transcription factor; plus strand). Cytogenetic location: 3p13.
Variant type: single nucleotide variant.
Coding change: c.1552A>G on transcript NM_001354604.2 (MANE Select); coding-DNA position 1552, A replaced by G.
Protein change: p.Ser518Gly; replaces serine 518 with glycine.
Molecular consequence: missense variant.
Genome position (GRCh38, 1-based): chr3:69,965,219, A>G. VCF-style: chr3-69965219-A-G. GRCh37 (hg19) VCF-style: chr3-70014370-A-G.
Other names: c.1231A>G, p.Ser411Gly (NM_000248.4); c.1378A>G, p.Ser460Gly (NM_001184967.2, NM_001354608.2); c.1549A>G, p.Ser517Gly (NM_001354605.2); c.1531A>G, p.Ser511Gly (NM_001354606.2, NM_006722.3); c.1483A>G, p.Ser495Gly (NM_001354607.2); c.1213A>G, p.Ser405Gly (NM_198158.3); c.1534A>G, p.Ser512Gly (NM_198159.3); c.1486A>G, p.Ser496Gly (NM_198177.3); and 1 more; short protein forms S511G, S518G, S460G, S512G, S517G, S349G, S405G, S495G.
Identifiers: ClinVar variation 3873246 (VCV003873246.1).
Genomic context (GRCh38, chr3:69,965,219, plus strand): 5'-CCACTCCTTTCCTCAGTGTCCCCCGGAGCTTCCAAAACAAGCAGCCGGAGGAGCAGTATG[A>G]GCATGGAAGAGACGGAGCACACTTGTTAGCGAATCCTCCCTGCACTGCATTCGCACAAAC-3'
Protein context (NP_001341533.1, residues 508-526): SKTSSRRSSM[Ser518Gly]MEETEHTC

ClinVar aggregate classification (germline): Uncertain significance (1 of 4 stars; one submission).

Conditions:
Hereditary cancer-predisposing syndrome. Also called: Tumor predisposition; Neoplastic Syndromes, Hereditary; Hereditary Cancer Syndrome; Hereditary neoplastic syndrome. Identifiers: Orphanet 140162, MedGen C0027672, MeSH D009386, MONDO:0015356.

Submission:

Ambry Genetics
Classification: Uncertain significance for Hereditary cancer-predisposing syndrome. Last evaluated: 2025-02-14. Review status: criteria provided, single submitter. Criteria: Ambry Variant Classification Scheme 2023. Collection method: clinical testing. Allele origin: germline.
Comment: The p.S411G variant (also known as c.1231A>G), located in coding exon 9 of the MITF gene, results from an A to G substitution at nucleotide position 1231. The serine at codon 411 is replaced by glycine, an amino acid with similar properties. This amino acid position is conserved. In addition, the in silico prediction for this alteration is inconclusive. Based on the available evidence, the clinical significance of this variant remains unclear.